The following is an entry in ClinVar:

ClinVar aggregate classification (germline): Uncertain significance. Review status: criteria provided, multiple submitters, no conflicts (2 of 4 stars). 2 submissions from 2 submitters: Uncertain significance (2). Last evaluated 2025-02-09.

Conditions:
Inborn genetic diseases. Identifiers: MedGen C0950123, MeSH D030342.
Joubert syndrome. Also called: CEREBELLOPARENCHYMAL DISORDER IV; JOUBERT-BOLTSHAUSER SYNDROME; Familial aplasia of the vermis. Identifiers: Orphanet 475, MedGen C5979921, MONDO:0018772.
Meckel-Gruber syndrome. Also called: DYSENCEPHALIA SPLANCHNOCYSTICA; GRUBER SYNDROME; Dysencephalia splachnocystica. Identifiers: Orphanet 564, MedGen C0265215, MONDO:0018921.

Allele frequency attached by ClinVar (database versions not stated): ExAC 0.00001; gnomAD exomes 0.00001.
gnomAD v4.1: 3 of 1,614,186 alleles (0.00019%); highest among the groups gnomAD compares: South Asian, 0.0011%; no homozygotes.

Submissions (2):

Ambry Genetics
Classification: Uncertain significance for Inborn genetic diseases. Last evaluated: 2025-02-09. Review status: criteria provided, single submitter. Criteria: Ambry Variant Classification Scheme 2023. Collection method: clinical testing. Allele origin: germline.

Labcorp Genetics (formerly Invitae), Labcorp
Classification: Uncertain significance for Joubert syndrome; Meckel-Gruber syndrome. Last evaluated: 2024-01-19. Review status: criteria provided, single submitter. Criteria: Invitae Variant Classification Sherloc (09022015). Collection method: clinical testing. Allele origin: germline.
Comment: This sequence change replaces glutamic acid, which is acidic and polar, with aspartic acid, which is acidic and polar, at codon 138 of the MKS1 protein (p.Glu138Asp). This variant is present in population databases (rs749341221, gnomAD 0.0009%). This variant has not been reported in the literature in individuals affected with MKS1-related conditions. ClinVar contains an entry for this variant (Variation ID: 2078900). Advanced modeling of protein sequence and biophysical properties (such as structural, functional, and spatial information, amino acid conservation, physicochemical variation, residue mobility, and thermodynamic stability) performed at Invitae indicates that this missense variant is not expected to disrupt MKS1 protein function with a negative predictive value of 80%. In summary, the available evidence is currently insufficient to determine the role of this variant in disease. Therefore, it has been classified as a Variant of Uncertain Significance.

NM_017777.4(MKS1):c.414G>T (p.Glu138Asp)

Gene: MKS1 (MKS transition zone complex subunit 1; minus strand). Cytogenetic location: 17q22.
Variant type: single nucleotide variant.
Coding change: c.414G>T on transcript NM_017777.4 (MANE Select); coding-DNA position 414, G replaced by T.
Protein change: p.Glu138Asp; replaces glutamic acid 138 with aspartic acid.
Molecular consequence: missense variant. On other transcripts: 5 prime UTR variant (1).
Genome position (GRCh38, 1-based): chr17:58,216,091, C>A on the plus strand (G>T on the coding strand, the complement: MKS1 is on the minus strand). VCF-style: chr17-58216091-C-A. GRCh37 (hg19) VCF-style: chr17-56293452-C-A.
Other names: c.-98G>T (NM_001321268.2); c.414G>T, p.Glu138Asp (NM_001321269.2, NM_001330397.2, NM_001411113.1); short protein forms E138D.
Identifiers: ClinVar variation 2078900 (VCV002078900.5), dbSNP rs749341221, ClinGen allele CA8669547.